The following is an entry in ClinVar:

NM_001042492.3(NF1):c.1991A>G (p.Asn664Ser)

Gene: NF1 (neurofibromin 1; plus strand). Cytogenetic location: 17q11.2.
Variant type: single nucleotide variant.
Coding change: c.1991A>G on transcript NM_001042492.3 (MANE Select); coding-DNA position 1991, A replaced by G.
Protein change: p.Asn664Ser; replaces asparagine 664 with serine.
Molecular consequence: missense variant.
Genome position (GRCh38, 1-based): chr17:31,225,240, A>G. VCF-style: chr17-31225240-A-G. GRCh37 (hg19) VCF-style: chr17-29552258-A-G.
Other names: c.1991A>G, p.Asn664Ser (NM_000267.4); short protein forms N664S.
Identifiers: ClinVar variation 404491 (VCV000404491.11), dbSNP rs756145065, ClinGen allele CA8485892.

ClinVar aggregate classification (germline): Conflicting classifications of pathogenicity. Review status: criteria provided, conflicting classifications (1 of 4 stars). 5 submissions from 5 submitters: Uncertain significance (2); Benign (1); Likely benign (2). Last evaluated 2025-12-08.

Conditions:
Hereditary cancer-predisposing syndrome. Also called: Tumor predisposition; Neoplastic Syndromes, Hereditary; Hereditary Cancer Syndrome; Hereditary neoplastic syndrome. Identifiers: Orphanet 140162, MedGen C0027672, MeSH D009386, MONDO:0015356.
Cardiovascular phenotype. Identifiers: MedGen CN230736.
Neurofibromatosis, type 1 (NF1). Also called: Neurofibromatosis, type I; NEUROFIBROMATOSIS, TYPE I, SOMATIC; Peripheral type neurofibromatosis; VON RECKLINGHAUSEN DISEASE. Identifiers: Orphanet 636, MedGen C0027831, MONDO:0018975, OMIM 162200. Disease mechanism: loss of function.

Allele frequency attached by ClinVar (database versions not stated): TOPMed below 0.00001; ExAC 0.00001; gnomAD exomes 0.00001.
gnomAD v4.1: 11 of 1,613,292 alleles (0.00068%); highest among the groups gnomAD compares: Non-Finnish European, 0.00034%; no homozygotes.

Submissions (5):

Labcorp Genetics (formerly Invitae), Labcorp
Classification: Benign for Neurofibromatosis, type 1. Last evaluated: 2025-12-08. Review status: criteria provided, single submitter. Criteria: Invitae Variant Classification Sherloc (09022015). Collection method: clinical testing. Allele origin: germline.

Women's Health and Genetics/Laboratory Corporation of America, LabCorp
Classification: Uncertain significance. Last evaluated: 2025-05-02. Review status: criteria provided, single submitter. Criteria: LabCorp Variant Classification Summary - May 2015. Collection method: clinical testing. Allele origin: germline.
Comment: Variant summary: NF1 c.1991A>G (p.Asn664Ser) results in a conservative amino acid change in the encoded protein sequence. Algorithms developed to predict the effect of missense changes on protein structure and function are either unavailable or do not agree on the potential impact of this missense change. The variant allele was found at a frequency of 6.8e-06 in 1613292 control chromosomes, predominantly at a frequency of 0.00017 within the Ashkenazi Jewish subpopulation in the gnomAD database. The available data on variant occurrences in the general population are insufficient to allow any conclusion about variant significance. To our knowledge, no occurrence of germline c.1991A>G in individuals affected with Neurofibromatosis Type 1 and other NF1-related diseases, and no experimental evidence demonstrating its impact on protein function have been reported. The following publications have been ascertained in the context of this evaluation (PMID: 27069254, 10678181, 23460398, 29872168, National Comprehensive Cancer Network). ClinVar contains an entry for this variant (Variation ID: 404491). Based on the evidence outlined above, the variant was classified as uncertain significance.

Ambry Genetics
Classification: Likely benign for Cardiovascular phenotype; Hereditary cancer-predisposing syndrome. Last evaluated: 2023-02-15. Review status: criteria provided, single submitter. Criteria: Ambry Variant Classification Scheme 2023. Collection method: clinical testing. Allele origin: germline.

GeneDx
Classification: Uncertain significance. Last evaluated: 2022-08-26. Review status: criteria provided, single submitter. Criteria: GeneDx Variant Classification Process June 2021. Collection method: clinical testing. Allele origin: germline. Affected: yes.
Comment: In silico analysis supports that this missense variant does not alter protein structure/function; Has not been previously published as pathogenic or benign to our knowledge; This variant is associated with the following publications: (PMID: 25486365)

Sema4
Classification: Likely benign for Hereditary cancer-predisposing syndrome. Last evaluated: 2021-09-30. Review status: criteria provided, single submitter. Criteria: Sema4 Curation Guidelines. Collection method: curation. Allele origin: germline.

Literature cited by the submitters: PubMed 10678181 (cited by Women's Health and Genetics/Laboratory Corporation of America, LabCorp); PubMed 23460398 (cited by Women's Health and Genetics/Laboratory Corporation of America, LabCorp); PubMed 29872168 (cited by Women's Health and Genetics/Laboratory Corporation of America, LabCorp).